The following is an entry in ClinVar:

NM_002972.4(SBF1):c.5546G>C (p.Gly1849Ala)

Gene: SBF1 (SET binding factor 1; minus strand). Cytogenetic location: 22q13.33.
Variant type: single nucleotide variant.
Coding change: c.5546G>C on transcript NM_002972.4 (MANE Select); coding-DNA position 5546, G replaced by C.
Protein change: p.Gly1849Ala; replaces glycine 1849 with alanine.
Molecular consequence: missense variant.
Genome position (GRCh38, 1-based): chr22:50,447,359, C>G on the plus strand (G>C on the coding strand, the complement: SBF1 is on the minus strand). VCF-style: chr22-50447359-C-G. GRCh37 (hg19) VCF-style: chr22-50885788-C-G.
Other names: c.5471G>C, p.Gly1824Ala (NM_001365819.1); c.5549G>C, p.Gly1850Ala (NM_001410794.1); c.5468G>C, p.Gly1823Ala (NM_001410795.1); c.5546G>C, p.Gly1849Ala (NM_197971.1); short protein forms G1850A, G1824A, G1849A, G1823A.
Identifiers: ClinVar variation 2025267 (VCV002025267.4), dbSNP rs2521722934, ClinGen allele CA412184158.

ClinVar aggregate classification (germline): Uncertain significance (1 of 4 stars; one submission).

Submission:

Labcorp Genetics (formerly Invitae), Labcorp
Classification: Uncertain significance. Last evaluated: 2022-08-20. Review status: criteria provided, single submitter. Criteria: Invitae Variant Classification Sherloc (09022015). Collection method: clinical testing. Allele origin: germline.
Comment: This sequence change replaces glycine, which is neutral and non-polar, with alanine, which is neutral and non-polar, at codon 1849 of the SBF1 protein (p.Gly1849Ala). In summary, the available evidence is currently insufficient to determine the role of this variant in disease. Therefore, it has been classified as a Variant of Uncertain Significance. Algorithms developed to predict the effect of missense changes on protein structure and function are either unavailable or do not agree on the potential impact of this missense change (SIFT: "Tolerated"; PolyPhen-2: "Probably Damaging"; Align-GVGD: "Class C0"). This variant has not been reported in the literature in individuals affected with SBF1-related conditions. This variant is not present in population databases (gnomAD no frequency).